The following is an entry in ClinVar:

NM_001006658.3(CR2):c.1159G>T (p.Gly387Cys)

Genes: CR2 (complement C3d receptor 2; plus strand), LOC126805994 (BRD4-independent group 4 enhancer GRCh37_chr1:207642622-207643821; plus strand). Cytogenetic location: 1q32.2.
Variant type: single nucleotide variant.
Coding change: c.1159G>T on transcript NM_001006658.3 (MANE Select); coding-DNA position 1159, G replaced by T.
Protein change: p.Gly387Cys; replaces glycine 387 with cysteine.
Molecular consequence: missense variant.
Genome position (GRCh38, 1-based): chr1:207,470,036, G>T. VCF-style: chr1-207470036-G-T. GRCh37 (hg19) VCF-style: chr1-207643381-G-T.
Other names: c.1159G>T, p.Gly387Cys (NM_001877.5); short protein forms G387C.
Identifiers: ClinVar variation 1998427 (VCV001998427.4), dbSNP rs2527215535, ClinGen allele CA344529331.

ClinVar aggregate classification (germline): Uncertain significance (1 of 4 stars; one submission).

Conditions:
Immunodeficiency, common variable, 7. Identifiers: Orphanet 1572, Orphanet 696894, MedGen C3542922, MONDO:0013862, OMIM 614699.

gnomAD v4.1: 1 of 1,613,972 alleles (0.000062%); no homozygotes.

Submission:

Labcorp Genetics (formerly Invitae), Labcorp
Classification: Uncertain significance for Immunodeficiency, common variable, 7. Last evaluated: 2022-05-25. Review status: criteria provided, single submitter. Criteria: Invitae Variant Classification Sherloc (09022015). Collection method: clinical testing. Allele origin: germline.
Comment: In summary, the available evidence is currently insufficient to determine the role of this variant in disease. Therefore, it has been classified as a Variant of Uncertain Significance. Algorithms developed to predict the effect of missense changes on protein structure and function are either unavailable or do not agree on the potential impact of this missense change (SIFT: "Deleterious"; PolyPhen-2: "Probably Damaging"; Align-GVGD: "Class C0"). This variant has not been reported in the literature in individuals affected with CR2-related conditions. This variant is not present in population databases (gnomAD no frequency). This sequence change replaces glycine, which is neutral and non-polar, with cysteine, which is neutral and slightly polar, at codon 387 of the CR2 protein (p.Gly387Cys).